The following is an entry in ClinVar:

NM_003998.4(NFKB1):c.2691G>A (p.Lys897=)

Gene: NFKB1 (nuclear factor kappa B subunit 1; plus strand). Cytogenetic location: 4q24.
Variant type: single nucleotide variant.
Coding change: c.2691G>A on transcript NM_003998.4 (MANE Select); coding-DNA position 2691, G replaced by A.
Protein change: p.Lys897=; no amino-acid change (lysine 897 retained).
Molecular consequence: synonymous variant.
Genome position (GRCh38, 1-based): chr4:102,613,523, G>A. VCF-style: chr4-102613523-G-A. GRCh37 (hg19) VCF-style: chr4-103534680-G-A.
Other names: c.2688G>A, p.Lys896= (NM_001165412.2, NM_001319226.2, NM_001382627.1); c.2691G>A, p.Lys897= (NM_001382625.1, NM_001382626.1); c.2649G>A, p.Lys883= (NM_001382628.1); c.2691G>A (NM_003998.3).
Identifiers: ClinVar variation 1550402 (VCV001550402.11), dbSNP rs372519363, ClinGen allele CA3026500.

ClinVar aggregate classification (germline): Likely benign. Review status: criteria provided, multiple submitters, no conflicts (2 of 4 stars). 3 submissions from 3 submitters: Likely benign (2). 1 of the submissions does not count toward it. Last evaluated 2025-01-13.

Conditions:
NFKB1-related disorder. Also called: NFKB1-related condition.

Allele frequency attached by ClinVar (database versions not stated): gnomAD exomes 0.00001 and 0.00002; ExAC 0.00003; gnomAD 0.00005 and 0.00006; TOPMed 0.00007; ESP Exome Variant Server 0.00008.
gnomAD v4.1: 18 of 1,613,748 alleles (0.0011%); highest among the groups gnomAD compares: African/African-American, 0.019%; no homozygotes.

Submissions (3):

Labcorp Genetics (formerly Invitae), Labcorp
Classification: Likely benign. Last evaluated: 2025-01-13. Review status: criteria provided, single submitter. Criteria: Invitae Variant Classification Sherloc (09022015). Collection method: clinical testing. Allele origin: germline.

Blueprint Genetics
Classification: Likely benign. Last evaluated: 2023-09-20. Review status: criteria provided, single submitter. Criteria: ACMG Guidelines, 2015. Collection method: clinical testing. Allele origin: germline.

PreventionGenetics, part of Exact Sciences
Classification: Likely benign for NFKB1-related condition. Last evaluated: 2019-10-23. Review status: no assertion criteria provided. Collection method: clinical testing. Allele origin: germline. Not counted in ClinVar's aggregate classification.
Comment: This variant is classified as likely benign based on ACMG/AMP sequence variant interpretation guidelines (Richards et al. 2015 PMID: 25741868, with internal and published modifications).